The following is an entry in ClinVar:

NM_001009999.3(KDM1A):c.251A>G (p.Gln84Arg)

Gene: KDM1A (lysine demethylase 1A; plus strand). Cytogenetic location: 1p36.12.
Variant type: single nucleotide variant.
Coding change: c.251A>G on transcript NM_001009999.3 (MANE Select); coding-DNA position 251, A replaced by G.
Protein change: p.Gln84Arg; replaces glutamine 84 with arginine.
Molecular consequence: missense variant.
Genome position (GRCh38, 1-based): chr1:23,019,847, A>G. VCF-style: chr1-23019847-A-G. GRCh37 (hg19) VCF-style: chr1-23346340-A-G.
Other names: c.251A>G, p.Gln84Arg (NM_001363654.2, NM_001410762.1, NM_001410763.1 and 1 more transcripts); short protein forms Q84R.
Identifiers: ClinVar variation 4042188 (VCV004042188.1).

ClinVar aggregate classification (germline): Uncertain significance (1 of 4 stars; one submission).

Conditions:
Inborn genetic diseases. Identifiers: MedGen C0950123, MeSH D030342.

gnomAD v4.1: 6 of 1,486,002 alleles (0.0004%); highest among the groups gnomAD compares: Non-Finnish European, 0.00054%; no homozygotes.

Submission:

Ambry Genetics
Classification: Uncertain significance for Inborn genetic diseases. Last evaluated: 2025-06-13. Review status: criteria provided, single submitter. Criteria: Ambry Variant Classification Scheme 2023. Collection method: clinical testing. Allele origin: germline.
Comment: The p.Q84R variant (also known as c.251A>G), located in coding exon 1 of the KDM1A gene, results from an A to G substitution at nucleotide position 251. The glutamine at codon 84 is replaced by arginine, an amino acid with highly similar properties. This amino acid position is conserved. In addition, this alteration is predicted to be tolerated by in silico analysis. Based on the available evidence, the clinical significance of this variant remains unclear.